The following is an entry in ClinVar:

ClinVar aggregate classification (germline): Uncertain significance (1 of 4 stars; one submission).

Submission:

Labcorp Genetics (formerly Invitae), Labcorp
Classification: Uncertain significance. Last evaluated: 2025-05-27. Review status: criteria provided, single submitter. Criteria: Invitae Variant Classification Sherloc (09022015). Collection method: clinical testing. Allele origin: germline.
Comment: This variant, c.2256_2282del, results in the deletion of 9 amino acid(s) of the BRD4 protein (p.Val753_Pro761del), but otherwise preserves the integrity of the reading frame. This variant is present in population databases (rs769010052, gnomAD 0.01%). This variant has not been reported in the literature in individuals affected with BRD4-related conditions. Experimental studies and prediction algorithms are not available or were not evaluated, and the functional significance of this variant is currently unknown. In summary, the available evidence is currently insufficient to determine the role of this variant in disease. Therefore, it has been classified as a Variant of Uncertain Significance.

NM_001379291.1(BRD4):c.2256_2282del (p.Val753_Pro761del)

Gene: BRD4 (bromodomain containing 4; minus strand). Cytogenetic location: 19p13.12.
Variant type: Deletion.
Coding change: c.2256_2282del on transcript NM_001379291.1 (MANE Select); coding-DNA positions 2256 to 2282, 27 bases deleted (TGTGCCCCAGCAGCCGCCCCCGCCTCC).
Protein change: p.Val753_Pro761del.
Genome position (GRCh38, 1-based): chr19:15,244,530-15,244,556, GGAGGCGGGGGCGGCTGCTGGGGCACA deleted on the plus strand (TGTGCCCCAGCAGCCGCCCCCGCCTCC on the coding strand, the reverse complement: BRD4 is on the minus strand); deleting any 27 consecutive bases within chr19:15,244,530-15,244,560 gives the same sequence; the c. name uses the placement nearest the transcript's 3' end. VCF-style (leftmost placement, unchanged base first): chr19-15244529-GGGAGGCGGGGGCGGCTGCTGGGGCACA-G. GRCh37 (hg19) VCF-style: chr19-15355340-GGGAGGCGGGGGCGGCTGCTGGGGCACA-G.
Other names: c.2256_2282del, p.Val753_Pro761del (NM_058243.3).
Identifiers: ClinVar variation 4769990 (VCV004769990.1).